The following is an entry in ClinVar:

ClinVar aggregate classification (germline): Likely pathogenic (1 of 4 stars; one submission).

Submission:

GeneDx
Classification: Likely pathogenic. Last evaluated: 2018-08-31. Review status: criteria provided, single submitter. Criteria: GeneDx Variant Classification (06012015). Collection method: clinical testing. Allele origin: germline. Affected: yes.
Comment: The c.3760_3776del17 variant in the ANKRD11 gene has not been reported previously as a pathogenic variant nor as a benign variant, to our knowledge. The c.3760_3776del17 variant causes a frameshift starting with codon Serine 1254, changes this amino acid to a Valine residue, and creates a premature Stop codon at position 23 of the new reading frame, denoted p.Ser1254ValfsX23. This variant is predicted to cause loss of normal protein function either through protein truncation or nonsense-mediated mRNA decay. The c.3760_3776del17 variant is not observed in large population cohorts (Lek et al., 2016). We interpret c.3760_3776del17 as a likely pathogenic variant.

NM_013275.6(ANKRD11):c.3760_3776del (p.Ser1254fs)

Gene: ANKRD11 (ankyrin repeat domain containing 11; minus strand). Cytogenetic location: 16q24.3.
Variant type: Deletion.
Coding change: c.3760_3776del on transcript NM_013275.6 (MANE Select); coding-DNA positions 3760 to 3776, 17 bases deleted (AGCAAACACAAAGAGAA).
Protein change: p.Ser1254fs; shifts the reading frame from serine 1254.
Molecular consequence: frameshift variant.
Genome position (GRCh38, 1-based): chr16:89,282,766-89,282,782, TTCTCTTTGTGTTTGCT deleted on the plus strand (AGCAAACACAAAGAGAA on the coding strand, the reverse complement: ANKRD11 is on the minus strand); deleting any 17 consecutive bases within chr16:89,282,766-89,282,784 gives the same sequence; the c. name uses the placement nearest the transcript's 3' end. VCF-style (leftmost placement, unchanged base first): chr16-89282765-CTTCTCTTTGTGTTTGCT-C. GRCh37 (hg19) VCF-style: chr16-89349173-CTTCTCTTTGTGTTTGCT-C.
Other names: c.3760_3776del, p.Ser1254fs (NM_001256182.2, NM_001256183.2); short protein forms S1254fs.
Identifiers: ClinVar variation 817221 (VCV000817221.1), dbSNP rs1597454691, ClinGen allele CA915949422.
Genomic context (GRCh38, chr16:89,282,765, plus strand): 5'-GCTTTTTTCCGCGTCGGCACTTCTCGAGGACTTCCTCTCCTTGGAATGTTCTTTGTCCGA[CTTCTCTTTGTGTTTGCT>C]TTTAGCCTTGTCTTCGGCAGCGTGCTTCTTTTCAGCCTTCTCGGGGAGCTTCTGTTTATT-3'